The following is an entry in ClinVar:

ClinVar aggregate classification (germline): Conflicting classifications of pathogenicity. Review status: criteria provided, conflicting classifications (1 of 4 stars). 2 submissions from 2 submitters: Uncertain significance (1); Likely benign (1). Last evaluated 2025-09-20.

Conditions:
Hereditary nonpolyposis colorectal neoplasms. Identifiers: MedGen C0009405, MeSH D003123.
Hereditary cancer-predisposing syndrome. Also called: Tumor predisposition; Neoplastic Syndromes, Hereditary; Hereditary neoplastic syndrome; Hereditary Cancer Syndrome. Identifiers: Orphanet 140162, MedGen C0027672, MeSH D009386, MONDO:0015356.

Allele frequency attached by ClinVar (database versions not stated): gnomAD 0.00001.

Submissions (2):

Labcorp Genetics (formerly Invitae), Labcorp
Classification: Uncertain significance for Hereditary nonpolyposis colorectal neoplasms. Last evaluated: 2025-09-20. Review status: criteria provided, single submitter. Criteria: Invitae Variant Classification Sherloc (09022015). Collection method: clinical testing. Allele origin: germline.
Comment: This sequence change falls in intron 6 of the PMS2 gene. It does not directly change the encoded amino acid sequence of the PMS2 protein. It affects a nucleotide within the consensus splice site. The frequency data for this variant in the population databases is considered unreliable, as metrics indicate poor data quality at this position in the gnomAD database. This variant has not been reported in the literature in individuals affected with PMS2-related conditions. ClinVar contains an entry for this variant (Variation ID: 630463). Variants that disrupt the consensus splice site are a relatively common cause of aberrant splicing (PMID: 17576681, 9536098). Algorithms developed to predict the effect of sequence changes on RNA splicing suggest that this variant may disrupt the consensus splice site. In summary, the available evidence is currently insufficient to determine the role of this variant in disease. Therefore, it has been classified as a Variant of Uncertain Significance.

Color Diagnostics, LLC DBA Color Health
Classification: Likely benign for Hereditary cancer-predisposing syndrome. Last evaluated: 2017-04-05. Review status: criteria provided, single submitter. Criteria: ACMG Guidelines, 2015. Collection method: clinical testing. Allele origin: germline.

Literature cited by the submitters: PubMed 17576681 (cited by Labcorp Genetics (formerly Invitae), Labcorp); PubMed 9536098 (cited by Labcorp Genetics (formerly Invitae), Labcorp).

NM_000535.7(PMS2):c.706-2dup

Gene: PMS2 (PMS1 homolog 2, mismatch repair system component; minus strand). Cytogenetic location: 7p22.1.
Variant type: Duplication.
Coding change: c.706-2dup on transcript NM_000535.7 (MANE Select); the canonical splice acceptor site of the intron before coding-DNA position 706, one base duplicated (A; older notation c.706-2dupA).
Molecular consequence: splice acceptor variant. On other transcripts: intron variant (3).
Genome position (GRCh38, 1-based): chr7:5,997,425, T duplicated on the plus strand (A on the coding strand, the reverse complement: PMS2 is on the minus strand). VCF-style (leftmost placement, unchanged base first): chr7-5997424-C-CT. GRCh37 (hg19) VCF-style: chr7-6037055-C-CT.
Other names: c.388-2dup (NM_001322008.2, NM_001406902.1, NM_001406883.1 and 4 more transcripts); c.397-2dup (NM_001406881.1, NM_001406879.1, NM_001322015.2 and 6 more transcripts); c.301-2dup (NM_001406895.1, NM_001322010.2, NM_001322004.2 and 19 more transcripts); c.132+5028dup (NM_001406911.1); c.193-2dup (NM_001406904.1, NM_001406905.1); c.133-2dup (NM_001322013.2, NM_001406909.1); c.-228-2dup (NM_001322012.2, NM_001322011.2); c.370-2dup (NM_001406885.1); and 7 more.
Identifiers: ClinVar variation 630463 (VCV000630463.8), dbSNP rs1490493105, ClinGen allele CA572548191.
Genomic context (GRCh38, chr7:5,997,424, plus strand): 5'-GTACTCTTCACACACGGAGTCACTAGGGGGCAGCTGAACAAAAGGAATGAGGCTTTGCAA[C>CT]TGAAAAAAAAAAAAAAAAATTCACAGTTACTTCCTAATAAAGACAGAGTGGACTTAATCT-3'